The following is an entry in ClinVar:

ClinVar aggregate classification (germline): Uncertain significance (1 of 4 stars; one submission).

Conditions:
Cardiovascular phenotype. Identifiers: MedGen CN230736.
Hereditary cancer-predisposing syndrome. Also called: Neoplastic Syndromes, Hereditary; Tumor predisposition; Hereditary Cancer Syndrome; Hereditary neoplastic syndrome. Identifiers: Orphanet 140162, MedGen C0027672, MeSH D009386, MONDO:0015356.

Submission:

Ambry Genetics
Classification: Uncertain significance for Cardiovascular phenotype; Hereditary cancer-predisposing syndrome. Last evaluated: 2026-04-29. Review status: criteria provided, single submitter. Criteria: Ambry Variant Classification Scheme 2023. Collection method: clinical testing. Allele origin: germline.
Comment: The p.P1880A variant (also known as c.5638C>G), located in coding exon 38 of the NF1 gene, results from a C to G substitution at nucleotide position 5638. The proline at codon 1880 is replaced by alanine, an amino acid with highly similar properties. This amino acid position is highly conserved in available vertebrate species. In addition, this alteration is predicted to be deleterious by in silico analysis. Based on the available evidence, the clinical significance of this variant remains unclear.

NM_001042492.3(NF1):c.5701C>G (p.Pro1901Ala)

Gene: NF1 (neurofibromin 1; plus strand). Cytogenetic location: 17q11.2.
Variant type: single nucleotide variant.
Coding change: c.5701C>G on transcript NM_001042492.3 (MANE Select); coding-DNA position 5701, C replaced by G.
Protein change: p.Pro1901Ala; replaces proline 1901 with alanine.
Molecular consequence: missense variant.
Genome position (GRCh38, 1-based): chr17:31,330,387, C>G. VCF-style: chr17-31330387-C-G. GRCh37 (hg19) VCF-style: chr17-29657405-C-G.
Other names: c.5638C>G, p.Pro1880Ala (NM_000267.4); short protein forms P1880A, P1901A.
Identifiers: ClinVar variation 4860857 (VCV004860857.1).
Genomic context (GRCh38, chr17:31,330,387, plus strand): 5'-ACTTGTACCTTTAATTTAAAAATCGAGGGCCAGTTACTAGAGACATCAGGTTTATGTATC[C>G]CTGCCAACAACACCCTCTTTATTGTCTCTATTAGTAAGACACTGGCAGCCAATGAGCCAC-3'
Protein context (NP_001035957.1, residues 1891-1911): QLLETSGLCI[Pro1901Ala]ANNTLFIVSI